The following is an entry in ClinVar:

ClinVar aggregate classification (germline): Uncertain significance. Review status: criteria provided, multiple submitters, no conflicts (2 of 4 stars). 3 submissions from 3 submitters: Uncertain significance (3). Last evaluated 2025-07-15.

Conditions:
Inborn genetic diseases. Identifiers: MedGen C0950123, MeSH D030342.

Allele frequency attached by ClinVar (database versions not stated): gnomAD 0.00010 and 0.00011; TOPMed 0.00015; gnomAD exomes 0.00021; ESP Exome Variant Server 0.00023; ExAC 0.00030.
gnomAD v4.1: 372 of 1,613,676 alleles (0.023%); highest among the groups gnomAD compares: Non-Finnish European, 0.029%; 1 homozygote.

Submissions (3):

Ambry Genetics
Classification: Uncertain significance for Inborn genetic diseases. Last evaluated: 2025-07-15. Review status: criteria provided, single submitter. Criteria: Ambry Variant Classification Scheme 2023. Collection method: clinical testing. Allele origin: germline.

Blueprint Genetics
Classification: Uncertain significance. Last evaluated: 2024-11-07. Review status: criteria provided, single submitter. Criteria: ACMG Guidelines, 2015. Collection method: clinical testing. Allele origin: germline.

Labcorp Genetics (formerly Invitae), Labcorp
Classification: Uncertain significance. Last evaluated: 2022-08-09. Review status: criteria provided, single submitter. Criteria: Invitae Variant Classification Sherloc (09022015). Collection method: clinical testing. Allele origin: germline.
Comment: This sequence change replaces isoleucine, which is neutral and non-polar, with valine, which is neutral and non-polar, at codon 446 of the ARHGEF18 protein (p.Ile446Val). This variant is present in population databases (rs138824526, gnomAD 0.04%). This variant has not been reported in the literature in individuals affected with ARHGEF18-related conditions. ClinVar contains an entry for this variant (Variation ID: 961700). Algorithms developed to predict the effect of missense changes on protein structure and function (SIFT, PolyPhen-2, Align-GVGD) all suggest that this variant is likely to be disruptive. In summary, the available evidence is currently insufficient to determine the role of this variant in disease. Therefore, it has been classified as a Variant of Uncertain Significance.

NM_001367823.1(ARHGEF18):c.1900A>G (p.Ile634Val)

Gene: ARHGEF18 (Rho/Rac guanine nucleotide exchange factor 18; plus strand). Cytogenetic location: 19p13.2.
Variant type: single nucleotide variant.
Coding change: c.1900A>G on transcript NM_001367823.1 (MANE Select); coding-DNA position 1900, A replaced by G.
Protein change: p.Ile634Val; replaces isoleucine 634 with valine.
Molecular consequence: missense variant.
Genome position (GRCh38, 1-based): chr19:7,453,511, A>G. VCF-style: chr19-7453511-A-G. GRCh37 (hg19) VCF-style: chr19-7518397-A-G.
Other names: c.1174A>G, p.Ile392Val (NM_001130955.2); c.862A>G, p.Ile288Val (NM_001367824.1, NM_015318.4); short protein forms I288V, I392V, I634V.
Identifiers: ClinVar variation 961700 (VCV000961700.8), dbSNP rs138824526, ClinGen allele CA9136673.